The following is an entry in ClinVar:

ClinVar aggregate classification (germline): Likely benign (0 of 4 stars; one submission).

Conditions:
Polycystic kidney disease. Also called: Kidney, Polycystic; Polycystic kidney dysplasia. Identifiers: MedGen C0022680, MeSH D007690, MONDO:0020642, HP:0000113.

Submission:

Department of Pathology and Laboratory Medicine, Sinai Health System
Classification: Likely benign for Polycystic Kidney disease. Review status: no assertion criteria provided. Collection method: clinical testing. Allele origin: unknown. Affected: yes. Study: The Canadian Open Genetics Repository (COGR).
Comment: The PKD1 p.Ala920Gly variant was not identified in the literature nor was it identified in the dbSNP, Clinvitae, ClinVar, GeneInsight COGR, MutDB, ADPKD Mutation Database, PKD1-LOVD, PKD1-LOVD 3.0, NHLBI GO Exome Sequencing Project and Exome Aggregation Consortium (August 8, 2016) databases. The p.Ala920 residue is not conserved in mammals and 1 out of 5 computational analyses (PolyPhen-2, SIFT, AlignGVGD, BLOSUM, MutationTaster) predict a greater than 10% difference in splicing; this is not very predictive of pathogenicity. The variant occurs outside of the splicing consensus sequence and in silico or computational prediction software programs (SpliceSiteFinder, MaxEntScan, NNSPLICE, GeneSplicer, HumanSpliceFinder) do not predict a difference in splicing. In summary, based on the above information, the clinical significance of this variant cannot be determined with certainty at this time although we would lean towards a more benign role for this variant. This variant is classified as likely benign.

NM_001009944.3(PKD1):c.2759C>G (p.Ala920Gly)

Gene: PKD1 (polycystin 1, transient receptor potential channel interacting; minus strand). Cytogenetic location: 16p13.3.
Variant type: single nucleotide variant.
Coding change: c.2759C>G on transcript NM_001009944.3 (MANE Select); coding-DNA position 2759, C replaced by G.
Protein change: p.Ala920Gly; replaces alanine 920 with glycine.
Molecular consequence: missense variant.
Genome position (GRCh38, 1-based): chr16:2,114,264, G>C on the plus strand (C>G on the coding strand, the complement: PKD1 is on the minus strand). VCF-style: chr16-2114264-G-C. GRCh37 (hg19) VCF-style: chr16-2164265-G-C.
Other names: c.2759C>G, p.Ala920Gly (NM_000296.4); short protein forms A920G.
Identifiers: ClinVar variation 433954 (VCV000433954.3), dbSNP rs1555457748, ClinGen allele CA394386873.
Genomic context (GRCh38, chr16:2,114,264, plus strand): 5'-CTGGGCGTGGCGCGGAGGCCACAGATGGGCTCCTCCGCCGTCACCCGCAGGCTGAGGTTG[G>C]CCCGGCTGGCGCTGTTTTCCACCACCACGTCCACCACGTGCTCCCCCTCACTGAGCCACG-3'
Protein context (NP_001009944.3, residues 910-930): DVVVENSASR[Ala920Gly]NLSLRVTAEE